The following is an entry in ClinVar:

NM_000787.4(DBH):c.617del (p.Glu206fs)

Gene: DBH (dopamine beta-hydroxylase; plus strand). Cytogenetic location: 9q34.2.
Variant type: Deletion.
Coding change: c.617del on transcript NM_000787.4 (MANE Select); coding-DNA position 617, one base deleted (A; older notation c.617delA).
Protein change: p.Glu206fs; shifts the reading frame from glutamic acid 206.
Molecular consequence: frameshift variant.
Genome position (GRCh38, 1-based): chr9:133,642,337, A deleted. VCF-style (leftmost placement, unchanged base first): chr9-133642336-GA-G. GRCh37 (hg19) VCF-style: chr9-136507458-GA-G.
Other names: short protein forms E206fs.
Identifiers: ClinVar variation 217762 (VCV000217762.3), dbSNP rs863225244, ClinGen allele CA347642.
Genomic context (GRCh38, chr9:133,642,336, plus strand): 5'-TCGGGCCTGCAGATGGGGCTGCAGAGGGTGCAGCTCCTGAAGCCCAATATCCCCGAACCG[GA>G]GTTGCCCTCAGACGCGTGCACCATGGAGGTCCAAGCTCCCAATATCCAGATCCCCAGCCA-3'

ClinVar aggregate classification (germline): not provided (0 of 4 stars; one submission).

Conditions:
Orthostatic hypotension 1 (ORTHYP1). Also called: NORADRENALINE DEFICIENCY; NOREPINEPHRINE DEFICIENCY; Orthostatic hypotension 1, due to DBH deficiency; Dopamine beta-hydroxylase deficiency. Identifiers: Orphanet 230, MedGen C4746777, MONDO:0009123, OMIM 223360.

Allele frequency attached by ClinVar (database versions not stated): gnomAD exomes below 0.00001.

Submission:

GeneReviews
No classification provided. Condition: Orthostatic hypotension 1. Review status: no classification provided. Collection method: literature only. Allele origin: germline.
Comment: Identified in the Netherlands [Deinum et al 2004]

Literature cited by the submitters: PubMed 15060114; NCBI Bookshelf NBK1474.